The following is an entry in ClinVar:

ClinVar aggregate classification (germline): Uncertain significance (1 of 4 stars; one submission).

Conditions:
Xeroderma pigmentosum, group F (XPF). Also called: XERODERMA PIGMENTOSUM, TYPE F; Xeroderma pigmentosum, type 6; XERODERMA PIGMENTOSUM VI; XP, GROUP F; XERODERMA PIGMENTOSUM, COMPLEMENTATION GROUP F; ERCC4-Related Xeroderma Pigmentosum. Identifiers: MedGen C0268140, MONDO:0010215, OMIM 278760.
Fanconi anemia complementation group Q. Identifiers: Orphanet 84, MedGen C3808988, MONDO:0014108, OMIM 615272.
Cockayne syndrome. Identifiers: Orphanet 191, MedGen C0009207, MONDO:0016006.

Allele frequency attached by ClinVar (database versions not stated): gnomAD 0.00001; gnomAD exomes 0.00001.
gnomAD v4.1: 20 of 1,613,418 alleles (0.0012%); highest among the groups gnomAD compares: Admixed American, 0.005%; no homozygotes.

Submission:

Labcorp Genetics (formerly Invitae), Labcorp
Classification: Uncertain significance for Fanconi anemia complementation group Q; Xeroderma pigmentosum, group F; Cockayne syndrome. Last evaluated: 2022-07-09. Review status: criteria provided, single submitter. Criteria: Invitae Variant Classification Sherloc (09022015). Collection method: clinical testing. Allele origin: germline.
Comment: In summary, the available evidence is currently insufficient to determine the role of this variant in disease. Therefore, it has been classified as a Variant of Uncertain Significance. Algorithms developed to predict the effect of missense changes on protein structure and function (SIFT, PolyPhen-2, Align-GVGD) all suggest that this variant is likely to be tolerated. This variant has not been reported in the literature in individuals affected with ERCC4-related conditions. This variant is not present in population databases (gnomAD no frequency). This sequence change replaces isoleucine, which is neutral and non-polar, with methionine, which is neutral and non-polar, at codon 107 of the ERCC4 protein (p.Ile107Met).

NM_005236.3(ERCC4):c.321A>G (p.Ile107Met)

Gene: ERCC4 (ERCC excision repair 4, endonuclease catalytic subunit; plus strand). Cytogenetic location: 16p13.12.
Variant type: single nucleotide variant.
Coding change: c.321A>G on transcript NM_005236.3 (MANE Select); coding-DNA position 321, A replaced by G.
Protein change: p.Ile107Met; replaces isoleucine 107 with methionine.
Molecular consequence: missense variant.
Genome position (GRCh38, 1-based): chr16:13,922,144, A>G. VCF-style: chr16-13922144-A-G. GRCh37 (hg19) VCF-style: chr16-14016001-A-G.
Other names: short protein forms I107M.
Identifiers: ClinVar variation 1937948 (VCV001937948.5), dbSNP rs549297996, ClinGen allele CA278488462.